The following is an entry in ClinVar:

ClinVar aggregate classification (germline): Uncertain significance (1 of 4 stars; one submission).

gnomAD v4.1: 1 of 1,613,804 alleles (0.000062%); highest among the groups gnomAD compares: Non-Finnish European, 0.000085%; no homozygotes.

Submission:

Labcorp Genetics (formerly Invitae), Labcorp
Classification: Uncertain significance. Last evaluated: 2025-12-14. Review status: criteria provided, single submitter. Criteria: Invitae Variant Classification Sherloc (09022015). Collection method: clinical testing. Allele origin: germline.
Comment: This sequence change replaces serine, which is neutral and polar, with proline, which is neutral and non-polar, at codon 290 of the MYLK3 protein (p.Ser290Pro). This variant is not present in population databases (gnomAD no frequency). This variant has not been reported in the literature in individuals affected with MYLK3-related conditions. An algorithm developed to predict the effect of missense changes on protein structure and function outputs the following: PolyPhen-2: "Benign". The proline amino acid residue is found in multiple mammalian species, which suggests that this missense change does not adversely affect protein function. In summary, the available evidence is currently insufficient to determine the role of this variant in disease. Therefore, it has been classified as a Variant of Uncertain Significance.

NM_182493.3(MYLK3):c.868T>C (p.Ser290Pro)

Gene: MYLK3 (myosin light chain kinase 3; minus strand). Cytogenetic location: 16q11.2.
Variant type: single nucleotide variant.
Coding change: c.868T>C on transcript NM_182493.3 (MANE Select); coding-DNA position 868, T replaced by C.
Protein change: p.Ser290Pro; replaces serine 290 with proline.
Molecular consequence: missense variant. On other transcripts: intron variant (1).
Genome position (GRCh38, 1-based): chr16:46,737,844, A>G on the plus strand (T>C on the coding strand, the complement: MYLK3 is on the minus strand). VCF-style: chr16-46737844-A-G. GRCh37 (hg19) VCF-style: chr16-46771756-A-G.
Other names: c.-23+2213T>C (NM_001308301.1); short protein forms S290P.
Identifiers: ClinVar variation 4732604 (VCV004732604.1).
Genomic context (GRCh38, chr16:46,737,844, plus strand): 5'-GGCCAGGCCCTGGAGTCAGCCTCGTGCCTTCCTCTAAGGGCTCAGGGTCAGGCCTGCTGG[A>G]CGATGCTCCTTGTCCTGCACCTGGTGCAACCTCCAGGCTCGGGGAGACCACATTGACCCT-3'
Protein context (NP_872299.2, residues 280-300): VAPGAGQGAS[Ser290Pro]SRPDPEPLEE